The following is an entry in ClinVar:

NM_207391.3(RGS9BP):c.362C>T (p.Ser121Phe)

Gene: RGS9BP (regulator of G protein signaling 9 binding protein; plus strand). Cytogenetic location: 19q13.11.
Variant type: single nucleotide variant.
Coding change: c.362C>T on transcript NM_207391.3 (MANE Select); coding-DNA position 362, C replaced by T.
Protein change: p.Ser121Phe; replaces serine 121 with phenylalanine.
Molecular consequence: missense variant.
Genome position (GRCh38, 1-based): chr19:32,676,625, C>T. VCF-style: chr19-32676625-C-T. GRCh37 (hg19) VCF-style: chr19-33167531-C-T.
Other names: short protein forms S121F.
Identifiers: ClinVar variation 1715196 (VCV001715196.5), dbSNP rs1230436923, ClinGen allele CA405186537.

ClinVar aggregate classification (germline): Uncertain significance (1 of 4 stars; one submission).

Allele frequency attached by ClinVar (database versions not stated): gnomAD exomes 0.00001.

Submission:

Labcorp Genetics (formerly Invitae), Labcorp
Classification: Uncertain significance. Last evaluated: 2023-03-23. Review status: criteria provided, single submitter. Criteria: Invitae Variant Classification Sherloc (09022015). Collection method: clinical testing. Allele origin: germline.
Comment: This sequence change replaces serine, which is neutral and polar, with phenylalanine, which is neutral and non-polar, at codon 121 of the RGS9BP protein (p.Ser121Phe). This variant is present in population databases (no rsID available, gnomAD 0.005%). This variant has not been reported in the literature in individuals affected with RGS9BP-related conditions. ClinVar contains an entry for this variant (Variation ID: 1715196). An algorithm developed to predict the effect of missense changes on protein structure and function (PolyPhen-2) suggests that this variant is likely to be tolerated. In summary, the available evidence is currently insufficient to determine the role of this variant in disease. Therefore, it has been classified as a Variant of Uncertain Significance.